The following is an entry in ClinVar:

NM_020297.4(ABCC9):c.245T>C (p.Val82Ala)

Gene: ABCC9 (ATP binding cassette subfamily C member 9; minus strand). Cytogenetic location: 12p12.1.
Variant type: single nucleotide variant.
Coding change: c.245T>C on transcript NM_020297.4 (MANE Select); coding-DNA position 245, T replaced by C.
Protein change: p.Val82Ala; replaces valine 82 with alanine.
Molecular consequence: missense variant. On other transcripts: 5 prime UTR variant (1).
Genome position (GRCh38, 1-based): chr12:21,933,821, A>G on the plus strand (T>C on the coding strand, the complement: ABCC9 is on the minus strand). VCF-style: chr12-21933821-A-G. GRCh37 (hg19) VCF-style: chr12-22086755-A-G.
Other names: c.245T>C, p.Val82Ala (NM_001377273.1, NM_005691.4); c.-210T>C (NM_001377274.1); short protein forms V82A.
Identifiers: ClinVar variation 4806169 (VCV004806169.1).

ClinVar aggregate classification (germline): Uncertain significance (1 of 4 stars; one submission).

Conditions:
Dilated cardiomyopathy 1O (CMD1O). Also called: CARDIOMYOPATHY, DILATED, WITH VENTRICULAR TACHYCARDIA. Identifiers: Orphanet 154, MedGen C1837839, MONDO:0012062, OMIM 608569.

Submission:

Labcorp Genetics (formerly Invitae), Labcorp
Classification: Uncertain significance for Dilated cardiomyopathy 1O. Last evaluated: 2025-10-13. Review status: criteria provided, single submitter. Criteria: Invitae Variant Classification Sherloc (09022015). Collection method: clinical testing. Allele origin: germline.
Comment: This sequence change replaces valine, which is neutral and non-polar, with alanine, which is neutral and non-polar, at codon 82 of the ABCC9 protein (p.Val82Ala). This variant is not present in population databases (gnomAD no frequency). This variant has not been reported in the literature in individuals affected with ABCC9-related conditions. Invitae Evidence Modeling of protein sequence and biophysical properties (such as structural, functional, and spatial information, amino acid conservation, physicochemical variation, residue mobility, and thermodynamic stability) indicates that this missense variant is expected to disrupt ABCC9 protein function with a positive predictive value of 80%. In summary, the available evidence is currently insufficient to determine the role of this variant in disease. Therefore, it has been classified as a Variant of Uncertain Significance.